The following is an entry in ClinVar:

ClinVar aggregate classification (germline): Uncertain significance (1 of 4 stars; one submission).

Conditions:
Kabuki syndrome. Also called: NIIKAWA-KUROKI SYNDROME; Kabuki make-up syndrome. Identifiers: Orphanet 2322, MedGen C0796004, MONDO:0016512.

Submission:

Labcorp Genetics (formerly Invitae), Labcorp
Classification: Uncertain significance for Kabuki syndrome. Last evaluated: 2024-11-04. Review status: criteria provided, single submitter. Criteria: Invitae Variant Classification Sherloc (09022015). Collection method: clinical testing. Allele origin: germline.
Comment: This sequence change replaces glutamine, which is neutral and polar, with glutamic acid, which is acidic and polar, at codon 3892 of the KMT2D protein (p.Gln3892Glu). This variant is not present in population databases (gnomAD no frequency). This variant has not been reported in the literature in individuals affected with KMT2D-related conditions. ClinVar contains an entry for this variant (Variation ID: 1462441). Invitae Evidence Modeling of protein sequence and biophysical properties (such as structural, functional, and spatial information, amino acid conservation, physicochemical variation, residue mobility, and thermodynamic stability) indicates that this missense variant is not expected to disrupt KMT2D protein function with a negative predictive value of 95%. In summary, the available evidence is currently insufficient to determine the role of this variant in disease. Therefore, it has been classified as a Variant of Uncertain Significance.

NM_003482.4(KMT2D):c.11674C>G (p.Gln3892Glu)

Gene: KMT2D (lysine methyltransferase 2D; minus strand). Cytogenetic location: 12q13.12.
Variant type: single nucleotide variant.
Coding change: c.11674C>G on transcript NM_003482.4 (MANE Select); coding-DNA position 11674, C replaced by G.
Protein change: p.Gln3892Glu; replaces glutamine 3892 with glutamic acid.
Molecular consequence: missense variant.
Genome position (GRCh38, 1-based): chr12:49,033,031, G>C on the plus strand (C>G on the coding strand, the complement: KMT2D is on the minus strand). VCF-style: chr12-49033031-G-C. GRCh37 (hg19) VCF-style: chr12-49426814-G-C.
Other names: short protein forms Q3892E.
Identifiers: ClinVar variation 1462441 (VCV001462441.8), dbSNP rs2120437987, ClinGen allele CA384716727.